The following is an entry in ClinVar:

NM_000203.5(IDUA):c.1306del (p.Ala436fs)

Gene: IDUA (alpha-L-iduronidase; plus strand). Cytogenetic location: 4p16.3.
Variant type: Deletion.
Coding change: c.1306del on transcript NM_000203.5 (MANE Select); coding-DNA position 1306, one base deleted (G; older notation c.1306delG).
Protein change: p.Ala436fs; shifts the reading frame from alanine 436.
Molecular consequence: frameshift variant. On other transcripts: non-coding transcript variant (1).
Genome position (GRCh38, 1-based): chr4:1,002,848, G deleted. VCF-style (leftmost placement, unchanged base first): chr4-1002847-CG-C. GRCh37 (hg19) VCF-style: chr4-996635-CG-C.
Other names: c.910del, p.Ala304fs (NM_001363576.1); short protein forms A436fs, A304fs.
Identifiers: ClinVar variation 2010408 (VCV002010408.4), dbSNP rs2534093111, ClinGen allele CA2580070676.
Genomic context (GRCh38, chr4:1,002,847, plus strand): 5'-CCACACGGTGGGCGTCCTGGCCAGCGCCCACCGCCCCCAGGGCCCGGCCGACGCCTGGCG[CG>C]CCGCGGTGCTGATCTACGCGAGCGACGACACCCGCGCCCACCCCAACCGCAGCGTCGCGG-3'

ClinVar aggregate classification (germline): Pathogenic (1 of 4 stars; one submission).

Conditions:
Mucopolysaccharidosis type 1. Also called: Mucopolysaccharidosis Type I; IDUA deficiency; MPS I. Identifiers: Orphanet 579, MedGen C0023786, MONDO:0001586.

Submission:

Labcorp Genetics (formerly Invitae), Labcorp
Classification: Pathogenic for Mucopolysaccharidosis type 1. Last evaluated: 2022-06-24. Review status: criteria provided, single submitter. Criteria: Invitae Variant Classification Sherloc (09022015). Collection method: clinical testing. Allele origin: germline.
Comment: For these reasons, this variant has been classified as Pathogenic. This variant has not been reported in the literature in individuals affected with IDUA-related conditions. This variant is not present in population databases (gnomAD no frequency). This sequence change creates a premature translational stop signal (p.Ala436Profs*4) in the IDUA gene. It is expected to result in an absent or disrupted protein product. Loss-of-function variants in IDUA are known to be pathogenic (PMID: 11735025, 21480867).

Literature cited by the submitters: PubMed 11735025; PubMed 21480867.